The following is an entry in ClinVar:

NM_001042492.3(NF1):c.1231_1232del (p.Val411fs)

Gene: NF1 (neurofibromin 1; plus strand). Cytogenetic location: 17q11.2.
Variant type: Deletion.
Coding change: c.1231_1232del on transcript NM_001042492.3 (MANE Select); coding-DNA positions 1231 to 1232, 2 bases deleted (GT; older notation c.1231_1232delGT).
Protein change: p.Val411fs; shifts the reading frame from valine 411.
Molecular consequence: frameshift variant.
Genome position (GRCh38, 1-based): chr17:31,201,456-31,201,457, GT deleted. VCF-style (leftmost placement, unchanged base first): chr17-31201455-GGT-G. GRCh37 (hg19) VCF-style: chr17-29528473-GGT-G.
Other names: c.1231_1232delGT, p.Val411Lysfs (NM_000267.3); c.1231_1232del, p.Val411fs (NM_000267.4, NM_001128147.3); short protein forms V411fs.
Identifiers: ClinVar variation 4850602 (VCV004850602.1).

ClinVar aggregate classification (germline): Likely pathogenic (1 of 4 stars; one submission).

Conditions:
Neurofibromatosis, type 1 (NF1). Also called: VON RECKLINGHAUSEN DISEASE; NEUROFIBROMATOSIS, TYPE I, SOMATIC; Peripheral type neurofibromatosis; Neurofibromatosis, type I. Identifiers: Orphanet 636, MedGen C0027831, MONDO:0018975, OMIM 162200. Disease mechanism: loss of function.

Submission:

First Genomix Gene Laboratory, Genetic Diagnostics Department
Classification: Likely pathogenic for Neurofibromatosis, type 1. Last evaluated: 2026-01-12. Review status: criteria provided, single submitter. Criteria: ACMG Guidelines, 2015. Collection method: clinical testing. Allele origin: germline. Inheritance: Autosomal dominant inheritance. Affected: yes. Observed: 1 variant allele.
Comment: Segregation analysis performed on the parents’ samples revealed that they are non-carriers of the variant, indicating that the variant has occured de novo.